The following is an entry in ClinVar:

NM_002335.4(LRP5):c.2766C>T (p.Gly922=)

Gene: LRP5 (LDL receptor related protein 5; plus strand). Cytogenetic location: 11q13.2.
Variant type: single nucleotide variant.
Coding change: c.2766C>T on transcript NM_002335.4 (MANE Select); coding-DNA position 2766, C replaced by T.
Protein change: p.Gly922=; no amino-acid change (glycine 922 retained).
Molecular consequence: synonymous variant.
Genome position (GRCh38, 1-based): chr11:68,413,951, C>T. VCF-style: chr11-68413951-C-T. GRCh37 (hg19) VCF-style: chr11-68181419-C-T.
Other names: c.1023C>T, p.Gly341= (NM_001291902.2).
Identifiers: ClinVar variation 386683 (VCV000386683.11), dbSNP rs139372523, ClinGen allele CA6149728.

ClinVar aggregate classification (germline): Likely benign. Review status: criteria provided, multiple submitters, no conflicts (2 of 4 stars). 4 submissions from 4 submitters: Likely benign (4). Last evaluated 2025-10-24.

Conditions:
Autosomal dominant osteopetrosis 1 (OPTA1). Also called: OSTEOPETROSIS, AUTOSOMAL DOMINANT, TYPE I. Identifiers: Orphanet 2783, MedGen C1843330, MONDO:0011877, OMIM 607634.
Polycystic liver disease 4 with or without kidney cysts. Identifiers: MedGen C4693479, MONDO:0044327, OMIM 617875.
Exudative vitreoretinopathy 1 (EVR1). Also called: FEVR, AUTOSOMAL DOMINANT; Familial exudative vitreoretinopathy, autosomal dominant; CRISWICK-SCHEPENS SYNDROME. Identifiers: Orphanet 891, Orphanet 90050, MedGen C1851402, MONDO:0007589, OMIM 133780.
Osteoporosis with pseudoglioma (OPPG). Also called: osteoporosis-pseudoglioma syndrome. Identifiers: Orphanet 2788, MedGen C0432252, MONDO:0009820, OMIM 259770.
Worth disease. Also called: Autosomal dominant osteosclerosis, Worth type; OSTEOSCLEROSIS, AUTOSOMAL DOMINANT; ENDOSTEAL HYPEROSTOSIS, AUTOSOMAL DOMINANT. Identifiers: Orphanet 2790, MedGen C0432273, MONDO:0007764, OMIM 144750.
Exudative vitreoretinopathy 4 (EVR4). Identifiers: Orphanet 891, MedGen C1866176, MONDO:0011151, OMIM 601813.
Bone mineral density quantitative trait locus 1 (BMND1). Identifiers: MedGen C1866079, OMIM 601884.
Osteoporosis. Identifiers: MedGen C0029456, MONDO:0005298, OMIM 166710, HP:0000939.

Allele frequency attached by ClinVar (database versions not stated): gnomAD exomes 0.00009; ESP Exome Variant Server 0.00015; TOPMed 0.00015; ExAC 0.00016; gnomAD 0.00016.
gnomAD v4.1: 58 of 1,609,074 alleles (0.0036%); highest among the groups gnomAD compares: African/African-American, 0.035%; no homozygotes.

Submissions (4):

Labcorp Genetics (formerly Invitae), Labcorp
Classification: Likely benign. Last evaluated: 2025-10-24. Review status: criteria provided, single submitter. Criteria: Invitae Variant Classification Sherloc (09022015). Collection method: clinical testing. Allele origin: germline.

Blueprint Genetics
Classification: Likely benign. Last evaluated: 2024-09-13. Review status: criteria provided, single submitter. Criteria: ACMG Guidelines, 2015. Collection method: clinical testing. Allele origin: germline.

Fulgent Genetics
Classification: Likely benign for Exudative vitreoretinopathy 1; Worth disease; Osteoporosis; Osteoporosis with pseudoglioma; Exudative vitreoretinopathy 4; Bone mineral density quantitative trait locus 1; Autosomal dominant osteopetrosis 1; Polycystic liver disease 4 with or without kidney cysts. Last evaluated: 2022-01-07. Review status: criteria provided, single submitter. Criteria: ACMG Guidelines, 2015. Collection method: clinical testing. Allele origin: unknown.

GeneDx
Classification: Likely benign. Last evaluated: 2016-05-25. Review status: criteria provided, single submitter. Criteria: GeneDx Variant Classification (06012015). Collection method: clinical testing. Allele origin: germline. Affected: yes.
Comment: This variant is considered likely benign or benign based on one or more of the following criteria: it is a conservative change, it occurs at a poorly conserved position in the protein, it is predicted to be benign by multiple in silico algorithms, and/or has population frequency not consistent with disease.